The following is an entry in ClinVar:

NM_206933.4(USH2A):c.486-15C>T

Gene: USH2A (usherin; minus strand). Cytogenetic location: 1q41.
Variant type: single nucleotide variant.
Coding change: c.486-15C>T on transcript NM_206933.4 (MANE Select); 15 bases into the intron before coding-DNA position 486, C replaced by T.
Molecular consequence: intron variant.
Genome position (GRCh38, 1-based): chr1:216,418,694, G>A on the plus strand (C>T on the coding strand, the complement: USH2A is on the minus strand). VCF-style: chr1-216418694-G-A. GRCh37 (hg19) VCF-style: chr1-216592036-G-A.
Other names: c.486-15C>T (NM_007123.6).
Identifiers: ClinVar variation 295447 (VCV000295447.24), dbSNP rs114194722, ClinGen allele CA1396772.

ClinVar aggregate classification (germline): Conflicting classifications of pathogenicity. Review status: criteria provided, conflicting classifications (1 of 4 stars). 9 submissions from 8 submitters: Uncertain significance (2); Benign (1); Likely benign (2). 4 of the submissions do not count toward it. Last evaluated 2026-02-04.

Conditions:
Retinitis pigmentosa (RP). Identifiers: Orphanet 791, MedGen C0035334, MeSH D012174, MONDO:0019200, OMIM 268000. Inheritance: Autosomal dominant, autosomal recessive and X linked inheritance.
USH2A-related disorder. Also called: USH2A-related condition; USH2A-related disorders. Identifiers: MedGen CN239332.
Usher syndrome type 2A. Also called: RETINAL DISEASE IN USHER SYNDROME TYPE IIA, MODIFIER OF; USHER SYNDROME, TYPE IIA. Identifiers: Orphanet 231178, Orphanet 886, MedGen C1848634, MONDO:0010169, OMIM 276901.

Allele frequency attached by ClinVar (database versions not stated): 1000 Genomes Project 0.00060; 1000 Genomes Project 30x 0.00062; ExAC 0.00122; gnomAD exomes 0.00130 and 0.00269; TOPMed 0.00143; gnomAD 0.00145 and 0.00146; ESP Exome Variant Server 0.00208.
gnomAD v4.1: 4,128 of 1,612,444 alleles (0.26%); highest among the groups gnomAD compares: Non-Finnish European, 0.33%; 6 homozygotes.

Submissions (9):

Labcorp Genetics (formerly Invitae), Labcorp
Classification: Benign. Last evaluated: 2026-02-04. Review status: criteria provided, single submitter. Criteria: Invitae Variant Classification Sherloc (09022015). Collection method: clinical testing. Allele origin: germline.

Blueprint Genetics
Classification: Likely benign. Last evaluated: 2024-11-15. Review status: criteria provided, single submitter. Criteria: ACMG Guidelines, 2015. Collection method: clinical testing. Allele origin: germline.

Illumina Laboratory Services, Illumina
Classification: Uncertain significance for Usher syndrome type 2A. Last evaluated: 2018-01-13. Review status: criteria provided, single submitter. Criteria: ICSL Variant Classification Criteria 13 December 2019. Collection method: clinical testing. Allele origin: germline.

Illumina Laboratory Services, Illumina
Classification: Uncertain significance for Retinitis pigmentosa. Last evaluated: 2018-01-13. Review status: criteria provided, single submitter. Criteria: ICSL Variant Classification Criteria 13 December 2019. Collection method: clinical testing. Allele origin: germline.

Laboratory for Molecular Medicine, Mass General Brigham Personalized Medicine
Classification: Likely benign. Last evaluated: 2017-07-11. Review status: criteria provided, single submitter. Criteria: LMM Criteria. Collection method: clinical testing. Allele origin: germline. Observed: 3 variant alleles.
Comment: c.486-15C>T in intron 2 of USH2A: This variant is not expected to have clinical significance because a C>T change at this position does not diverge from the spl ice consensus sequence and is therefore unlikely to impact splicing. It has been identified in 0.25% (309/125942) of European chromosomes including 2 homozygote s by the Genome Aggregation Database (gnomAD; dbSNP rs114194722).

PreventionGenetics, part of Exact Sciences
Classification: Likely benign for USH2A-related condition. Last evaluated: 2020-05-06. Review status: no assertion criteria provided. Collection method: clinical testing. Allele origin: germline. Not counted in ClinVar's aggregate classification.
Comment: This variant is classified as likely benign based on ACMG/AMP sequence variant interpretation guidelines (Richards et al. 2015 PMID: 25741868, with internal and published modifications).

Natera, Inc.
Classification: Likely benign for Usher syndrome type 2A. Last evaluated: 2020-01-10. Review status: no assertion criteria provided. Collection method: clinical testing. Allele origin: germline. Not counted in ClinVar's aggregate classification.

Clinical Genetics, Academic Medical Center
Classification: Likely benign. Review status: no assertion criteria provided. Collection method: clinical testing. Allele origin: germline. Affected: yes. Study: VKGL Data-share Consensus. Not counted in ClinVar's aggregate classification.

Joint Genome Diagnostic Labs from Nijmegen and Maastricht, Radboudumc and MUMC+
Classification: Likely benign. Review status: no assertion criteria provided. Collection method: clinical testing. Allele origin: germline. Affected: yes. Study: VKGL Data-share Consensus. Not counted in ClinVar's aggregate classification.